The following is an entry in ClinVar:

ClinVar aggregate classification (germline): Uncertain significance. Review status: criteria provided, multiple submitters, no conflicts (2 of 4 stars). 4 submissions from 4 submitters: Uncertain significance (4). Last evaluated 2025-07-20.

Conditions:
Tuberous sclerosis syndrome (TSC). Also called: Tuberous Sclerosis Complex; Tuberous sclerosis. Identifiers: Orphanet 805, MedGen C0041341, MONDO:0001734.
Hereditary cancer-predisposing syndrome. Also called: Hereditary neoplastic syndrome; Neoplastic Syndromes, Hereditary; Tumor predisposition; Hereditary Cancer Syndrome. Identifiers: Orphanet 140162, MedGen C0027672, MeSH D009386, MONDO:0015356.
Tuberous sclerosis 2 (TSC2). Identifiers: Orphanet 805, MedGen C1860707, MONDO:0013199, OMIM 613254.

gnomAD v4.1: 6 of 1,580,894 alleles (0.00038%); highest among the groups gnomAD compares: Non-Finnish European, 0.00052%; no homozygotes.

Submissions (4):

Labcorp Genetics (formerly Invitae), Labcorp
Classification: Uncertain significance for Tuberous sclerosis 2. Last evaluated: 2025-07-20. Review status: criteria provided, single submitter. Criteria: Invitae Variant Classification Sherloc (09022015). Collection method: clinical testing. Allele origin: germline.
Comment: This sequence change replaces leucine, which is neutral and non-polar, with phenylalanine, which is neutral and non-polar, at codon 697 of the TSC2 protein (p.Leu697Phe). This variant is not present in population databases (gnomAD no frequency). This variant has not been reported in the literature in individuals affected with TSC2-related conditions. ClinVar contains an entry for this variant (Variation ID: 1218153). Invitae Evidence Modeling of protein sequence and biophysical properties (such as structural, functional, and spatial information, amino acid conservation, physicochemical variation, residue mobility, and thermodynamic stability) indicates that this missense variant is not expected to disrupt TSC2 protein function with a negative predictive value of 95%. In summary, the available evidence is currently insufficient to determine the role of this variant in disease. Therefore, it has been classified as a Variant of Uncertain Significance.

Ambry Genetics
Classification: Uncertain significance for Hereditary cancer-predisposing syndrome. Last evaluated: 2024-04-24. Review status: criteria provided, single submitter. Criteria: Ambry Variant Classification Scheme 2023. Collection method: clinical testing. Allele origin: germline.
Comment: The p.L697F variant (also known as c.2091G>T), located in coding exon 18 of the TSC2 gene, results from a G to T substitution at nucleotide position 2091. The leucine at codon 697 is replaced by phenylalanine, an amino acid with highly similar properties. This amino acid position is highly conserved in available vertebrate species. In addition, the in silico prediction for this alteration is inconclusive. Since supporting evidence is limited at this time, the clinical significance of this alteration remains unclear.

All of Us Research Program, National Institutes of Health
Classification: Uncertain significance for Tuberous sclerosis syndrome. Last evaluated: 2023-05-31. Review status: criteria provided, single submitter. Criteria: ACMG Guidelines, 2015. Collection method: clinical testing. Allele origin: germline. Inheritance: Autosomal dominant inheritance. Observed: 1 variant allele, 1 heterozygote.
Comment: This study involves interpretation of variants in research participants for the purpose of population health screening. Participant phenotype was not available at the time of variant classification. Additional details can be found in publication PMID: 35346344, PMCID: PMC8962531

GeneDx
Classification: Uncertain significance. Last evaluated: 2021-06-04. Review status: criteria provided, single submitter. Criteria: GeneDx Variant Classification Process June 2021. Collection method: clinical testing. Allele origin: germline. Affected: yes.
Comment: Not observed in large population cohorts (Lek et al., 2016); In silico analysis, which includes protein predictors and evolutionary conservation, supports a deleterious effect; Has not been previously published as pathogenic or benign to our knowledge

NM_000548.5(TSC2):c.2091G>T (p.Leu697Phe)

Gene: TSC2 (TSC complex subunit 2; plus strand). Cytogenetic location: 16p13.3.
Variant type: single nucleotide variant.
Coding change: c.2091G>T on transcript NM_000548.5 (MANE Select); coding-DNA position 2091, G replaced by T.
Protein change: p.Leu697Phe; replaces leucine 697 with phenylalanine.
Molecular consequence: missense variant.
Genome position (GRCh38, 1-based): chr16:2,071,928, G>T. VCF-style: chr16-2071928-G-T. GRCh37 (hg19) VCF-style: chr16-2121929-G-T.
Other names: c.2091G>T, p.Leu697Phe (NM_001077183.3, NM_001114382.3, NM_001363528.2 and 3 more transcripts); c.1980G>T, p.Leu660Phe (NM_001318827.2); c.1944G>T, p.Leu648Phe (NM_001318829.2); c.1491G>T, p.Leu497Phe (NM_001318831.2); c.2124G>T, p.Leu708Phe (NM_001318832.2); short protein forms L497F, L648F, L660F, L697F, L708F.
Identifiers: ClinVar variation 1218153 (VCV001218153.10), dbSNP rs2151308956, ClinGen allele CA394274720.